The following is an entry in ClinVar:

ClinVar aggregate classification (germline): Likely benign (1 of 4 stars; one submission).

Conditions:
Juvenile polyposis/hereditary hemorrhagic telangiectasia syndrome (JPHT). Also called: JP/HHT SYNDROME; JUVENILE POLYPOSIS WITH HEREDITARY HEMORRHAGIC TELANGIECTASIA; POLYPOSIS, GENERALIZED JUVENILE, WITH PULMONARY ARTERIOVENOUS MALFORMATION; TELANGIECTASIA, HEREDITARY HEMORRHAGIC, WITH JUVENILE POLYPOSIS COLI; Juvenile Polyposis Syndrome / Hereditary Hemorrhagic Telangiectasia (JPS/HHT). Identifiers: Orphanet 2929, MedGen C1832942, MONDO:0008278, OMIM 175050.

Submission:

Myriad Genetics, Inc.
Classification: Likely benign for Juvenile polyposis/hereditary hemorrhagic telangiectasia syndrome. Last evaluated: 2025-03-20. Review status: criteria provided, single submitter. Criteria: Myriad Autosomal Dominant, Autosomal Recessive and X-Linked Classification Criteria (2023). Collection method: clinical testing. Allele origin: unknown.
Comment: This variant is considered likely benign. This variant is intronic and is not expected to impact mRNA splicing.

NM_005359.6(SMAD4):c.905-14T>C

Gene: SMAD4 (SMAD family member 4; plus strand). Cytogenetic location: 18q21.2.
Variant type: single nucleotide variant.
Coding change: c.905-14T>C on transcript NM_005359.6 (MANE Select); 14 bases into the intron before coding-DNA position 905, T replaced by C.
Molecular consequence: intron variant.
Genome position (GRCh38, 1-based): chr18:51,059,852, T>C. VCF-style: chr18-51059852-T-C. GRCh37 (hg19) VCF-style: chr18-48586222-T-C.
Other names: c.905-14T>C (NM_001407042.1, NM_001407041.1, NM_001407043.1).
Identifiers: ClinVar variation 3903635 (VCV003903635.1).
Genomic context (GRCh38, chr18:51,059,852, plus strand): 5'-AAGATTTACTGAAAGTTTTAGCATTAGACAACTTTTAGTAAATAAAAATGGAATTTTTGT[T>C]GTCTTTTCTTTAGGGCCTGTTCACAATGAGCTTGCATTCCAGCCTCCCATTTCCAATCAT-3'